The following is an entry in ClinVar:

ClinVar aggregate classification (germline): Uncertain significance (1 of 4 stars; one submission).

Submission:

GeneDx
Classification: Uncertain significance. Last evaluated: 2024-03-14. Review status: criteria provided, single submitter. Criteria: GeneDx Variant Classification Process June 2021. Collection method: clinical testing. Allele origin: germline. Affected: yes.
Comment: Not observed at significant frequency in large population cohorts (gnomAD); In silico analysis supports that this missense variant does not alter protein structure/function; Has not been previously published as pathogenic or benign to our knowledge

NM_014991.6(WDFY3):c.7226A>C (p.Glu2409Ala)

Gene: WDFY3 (WD repeat and FYVE domain containing 3; minus strand). Cytogenetic location: 4q21.23.
Variant type: single nucleotide variant.
Coding change: c.7226A>C on transcript NM_014991.6 (MANE Select); coding-DNA position 7226, A replaced by C.
Protein change: p.Glu2409Ala; replaces glutamic acid 2409 with alanine.
Molecular consequence: missense variant.
Genome position (GRCh38, 1-based): chr4:84,726,907, T>G on the plus strand (A>C on the coding strand, the complement: WDFY3 is on the minus strand). VCF-style: chr4-84726907-T-G. GRCh37 (hg19) VCF-style: chr4-85648060-T-G.
Other names: short protein forms E2409A.
Identifiers: ClinVar variation 3370994 (VCV003370994.1).